The following is an entry in ClinVar:

NC_000016.9:g.(?_56545061)_(56545206_?)del

Gene: BBS2 (Bardet-Biedl syndrome 2; minus strand). Cytogenetic location: 16q12.2.
Variant type: Deletion.
Identifiers: ClinVar variation 2426987 (VCV002426987.3).

ClinVar aggregate classification (germline): Pathogenic (1 of 4 stars; one submission).

Conditions:
Bardet-Biedl syndrome (BBS). Identifiers: Orphanet 110, MedGen C0752166, MONDO:0015229.

Submission:

Labcorp Genetics (formerly Invitae), Labcorp
Classification: Pathogenic for Bardet-Biedl syndrome. Last evaluated: 2022-04-09. Review status: criteria provided, single submitter. Criteria: Invitae Variant Classification Sherloc (09022015). Collection method: clinical testing. Allele origin: germline.
Comment: For these reasons, this variant has been classified as Pathogenic. This variant disrupts a region of the BBS2 protein in which other variant(s) (p.Pro134Arg) have been determined to be pathogenic (PMID: 25541840). This suggests that this is a clinically significant region of the protein, and that variants that disrupt it are likely to be disease-causing. This variant has not been reported in the literature in individuals affected with BBS2-related conditions. This variant is a gross deletion of the genomic region encompassing exon(s) 3 of the BBS2 gene. This variant would be expected to be in-frame, preserving the integrity of the reading frame.

Literature cited by the submitters: PubMed 25541840.